The following is an entry in ClinVar:

NM_001348800.3(ZBTB20):c.271C>G (p.Leu91Val)

Gene: ZBTB20 (zinc finger and BTB domain containing 20; minus strand). Cytogenetic location: 3q13.31.
Variant type: single nucleotide variant.
Coding change: c.271C>G on transcript NM_001348800.3 (MANE Select); coding-DNA position 271, C replaced by G.
Protein change: p.Leu91Val; replaces leucine 91 with valine.
Molecular consequence: missense variant.
Genome position (GRCh38, 1-based): chr3:114,351,807, G>C on the plus strand (C>G on the coding strand, the complement: ZBTB20 is on the minus strand). VCF-style: chr3-114351807-G-C. GRCh37 (hg19) VCF-style: chr3-114070654-G-C.
Other names: c.271C>G, p.Leu91Val (NM_001164342.2, NM_001348803.3, NM_001393393.1 and 1 more transcripts); c.52C>G, p.Leu18Val (NM_001164343.2, NM_001164344.4, NM_001164345.4 and 9 more transcripts); short protein forms L18V, L91V.
Identifiers: ClinVar variation 5020182 (VCV005020182.1).

ClinVar aggregate classification (germline): Uncertain significance (1 of 4 stars; one submission).

Submission:

Dasa
Classification: Uncertain significance. Last evaluated: 2026-07-17. Review status: criteria provided, single submitter. Criteria: DASA Assertion Criteria. Collection method: clinical testing. Allele origin: germline.
Comment: NM_001348800.3(ZBTB20):c.271C>G (p.Leu91Val) is a missense variant that results in the substitution of leucine with valine. This variant is rare in population databases. The currently available literature and clinical evidence are not sufficient to establish a definitive association between this variant and the reported condition. Therefore, this variant is classified as a variant of uncertain significance.